The following is an entry in ClinVar:

ClinVar aggregate classification (germline): Likely pathogenic (1 of 4 stars; one submission).

Conditions:
Autosomal recessive limb-girdle muscular dystrophy type 2J (LGMDR10). Also called: Limb-girdle muscular dystrophy, type 2J; MUSCULAR DYSTROPHY, LIMB-GIRDLE, AUTOSOMAL RECESSIVE 10. Identifiers: Orphanet 140922, MedGen C1837342, MONDO:0012127, OMIM 608807.
Dilated cardiomyopathy 1G (CMD1G). Identifiers: Orphanet 154, MedGen C1858763, MONDO:0011400, OMIM 604145.

Submission:

Labcorp Genetics (formerly Invitae), Labcorp
Classification: Likely pathogenic for Dilated cardiomyopathy 1G; Autosomal recessive limb-girdle muscular dystrophy type 2J. Last evaluated: 2025-12-29. Review status: criteria provided, single submitter. Criteria: Invitae Variant Classification Sherloc (09022015). Collection method: clinical testing. Allele origin: germline.
Comment: This sequence change creates a premature translational stop signal (p.Thr31562Profs*10) in the TTN gene. While this is not anticipated to result in nonsense mediated decay, it is expected to create a truncated TTN protein. This variant is not present in population databases (gnomAD no frequency). This variant has not been reported in the literature in individuals affected with TTN-related conditions. Algorithms developed to predict the effect of sequence changes on RNA splicing suggest that this variant may disrupt the consensus splice site. This variant is located in the A band of TTN (PMID: 25589632). Truncating variants in this region are significantly overrepresented in patients affected with dilated cardiomyopathy (PMID: 25589632). Truncating variants in this region have also been reported in individuals affected with autosomal recessive centronuclear myopathy (PMID: 23975875). In summary, the currently available evidence indicates that the variant is pathogenic, but additional data are needed to prove that conclusively. Therefore, this variant has been classified as Likely Pathogenic.

Literature cited by the submitters: PubMed 25589632; PubMed 23975875.

NM_001267550.2(TTN):c.94684del (p.Thr31562fs)

Genes: TTN (titin; minus strand), TTN-AS1 (TTN antisense RNA 1; plus strand). Cytogenetic location: 2q31.2.
Variant type: Deletion.
Coding change: c.94684del on transcript NM_001267550.2 (MANE Select); coding-DNA position 94684, one base deleted (A; older notation c.94684delA).
Protein change: p.Thr31562fs; shifts the reading frame from threonine 31562.
Molecular consequence: frameshift variant.
Genome position (GRCh38, 1-based): chr2:178,546,744, T deleted on the plus strand (A on the coding strand, the reverse complement: TTN is on the minus strand). VCF-style (leftmost placement, unchanged base first): chr2-178546743-GT-G. GRCh37 (hg19) VCF-style: chr2-179411470-GT-G.
Other names: c.89761del, p.Thr29921fs (NM_001256850.1); c.67489del, p.Thr22497fs (NM_003319.4); c.86980del, p.Thr28994fs (NM_133378.4); c.67864del, p.Thr22622fs (NM_133432.3); c.68065del, p.Thr22689fs (NM_133437.4); short protein forms T22497fs, T22689fs, T31562fs, T28994fs, T22622fs, T29921fs.
Identifiers: ClinVar variation 4787156 (VCV004787156.1).